The following is an entry in ClinVar:

NM_024422.6(DSC2):c.2541C>A (p.His847Gln)

Gene: DSC2 (desmocollin 2; minus strand). Cytogenetic location: 18q12.1.
Variant type: single nucleotide variant.
Coding change: c.2541C>A on transcript NM_024422.6 (MANE Select); coding-DNA position 2541, C replaced by A.
Protein change: p.His847Gln; replaces histidine 847 with glutamine.
Molecular consequence: missense variant. On other transcripts: 3 prime UTR variant (2).
Genome position (GRCh38, 1-based): chr18:31,068,180, G>T on the plus strand (C>A on the coding strand, the complement: DSC2 is on the minus strand). VCF-style: chr18-31068180-G-T. GRCh37 (hg19) VCF-style: chr18-28648146-G-T.
Other names: c.2112C>A, p.His704Gln (NM_001406506.1); c.*43C>A (NM_001406507.1, NM_004949.5); short protein forms H704Q, H847Q.
Identifiers: ClinVar variation 3071954 (VCV003071954.1), dbSNP rs1598569474, ClinGen allele CA402110802.

ClinVar aggregate classification (germline): Uncertain significance (1 of 4 stars; one submission).

Conditions:
Familial isolated arrhythmogenic right ventricular dysplasia. Identifiers: Orphanet 217656, MedGen C4274968, MONDO:0016342.

Submission:

All of Us Research Program, National Institutes of Health
Classification: Uncertain significance for Familial isolated arrhythmogenic right ventricular dysplasia. Last evaluated: 2023-06-26. Review status: criteria provided, single submitter. Criteria: ACMG Guidelines, 2015. Collection method: clinical testing. Allele origin: germline. Inheritance: Autosomal dominant inheritance. Observed: 1 variant allele, 1 heterozygote.
Comment: This missense variant replaces histidine with glutamine at codon 847 of the DSC2 protein. Computational prediction suggests that this variant may not impact protein structure and function (internally defined REVEL score threshold <= 0.5, PMID: 27666373). To our knowledge, functional studies have not been reported for this variant. This variant has not been reported in individuals affected with DSC2-related disorders in the literature. This variant has not been identified in the general population by the Genome Aggregation Database (gnomAD). The available evidence is insufficient to determine the role of this variant in disease conclusively. Therefore, this variant is classified as a Variant of Uncertain Significance.

This study involves interpretation of variants in research participants for the purpose of population health screening. Participant phenotype was not available at the time of variant classification. Additional details can be found in publication PMID: 35346344, PMCID: PMC8962531